The following is an entry in ClinVar:

ClinVar aggregate classification (germline): Pathogenic/Likely pathogenic. Review status: criteria provided, multiple submitters, no conflicts (2 of 4 stars). 2 submissions from 2 submitters: Pathogenic (1); Likely pathogenic (1). Last evaluated 2023-08-12.

Conditions:
Neuromuscular disease caused by qualitative or quantitative defects of dysferlin. Also called: Qualitative or quantitative defects of dysferlin; Dysferlinopathy. Identifiers: Orphanet 207073, MedGen C2931687, MONDO:0016145.
Miyoshi muscular dystrophy 1 (MMD1). Identifiers: Orphanet 45448, MedGen C4551973, MONDO:0024545, OMIM 254130.

Submissions (2):

Baylor Genetics
Classification: Likely pathogenic for Miyoshi muscular dystrophy 1. Last evaluated: 2023-08-12. Review status: criteria provided, single submitter. Criteria: ACMG Guidelines, 2015. Collection method: clinical testing. Allele origin: unknown.

Labcorp Genetics (formerly Invitae), Labcorp
Classification: Pathogenic for Neuromuscular disease caused by qualitative or quantitative defects of dysferlin. Last evaluated: 2020-11-03. Review status: criteria provided, single submitter. Criteria: Invitae Variant Classification Sherloc (09022015). Collection method: clinical testing. Allele origin: germline.
Comment: For these reasons, this variant has been classified as Pathogenic. This variant has not been reported in the literature in individuals with DYSF-related conditions. This variant is not present in population databases (ExAC no frequency). This sequence change creates a premature translational stop signal (p.Leu1981Thrfs*16) in the DYSF gene. It is expected to result in an absent or disrupted protein product. Loss-of-function variants in DYSF are known to be pathogenic (PMID: 17698709, 20301480).

Literature cited by the submitters: PubMed 17698709 (cited by Labcorp Genetics (formerly Invitae), Labcorp); PubMed 20301480 (cited by Labcorp Genetics (formerly Invitae), Labcorp).

NM_001130987.2(DYSF):c.6057dup (p.Leu2020fs)

Gene: DYSF (dysferlin; plus strand). Cytogenetic location: 2p13.2.
Variant type: Duplication.
Coding change: c.6057dup on transcript NM_001130987.2 (MANE Select); coding-DNA position 6057, one base duplicated (A; older notation c.6057dupA).
Protein change: p.Leu2020fs; shifts the reading frame from leucine 2020.
Molecular consequence: frameshift variant.
Genome position (GRCh38, 1-based): chr2:71,679,229, A duplicated. VCF-style (leftmost placement, unchanged base first): chr2-71679228-T-TA. GRCh37 (hg19) VCF-style: chr2-71906358-T-TA.
Other names: c.5943dup, p.Leu1982fs (NM_001130455.2); c.5898dup, p.Leu1967fs (NM_001130976.2); c.5961dup, p.Leu1988fs (NM_001130977.2); c.6003dup, p.Leu2002fs (NM_001130978.2); c.6033dup, p.Leu2012fs (NM_001130979.2); c.5991dup, p.Leu1998fs (NM_001130980.2); c.6054dup, p.Leu2019fs (NM_001130981.2); c.6036dup, p.Leu2013fs (NM_001130982.2); and 5 more; short protein forms L1968fs, L2002fs, L2013fs, L1967fs, L1988fs, L2019fs, L2020fs, L1981fs.
Identifiers: ClinVar variation 1350474 (VCV001350474.7), dbSNP rs2152967906, ClinGen allele CA2573135977.